The following is an entry in ClinVar:

ClinVar aggregate classification (germline): Uncertain significance. Review status: criteria provided, single submitter (1 of 4 stars). 3 submissions from 3 submitters: Uncertain significance (1). 2 of the submissions do not count toward it. Last evaluated 2025-09-02.

gnomAD v4.1: 2 of 1,612,836 alleles (0.00012%); highest among the groups gnomAD compares: Non-Finnish European, 0.00017%; no homozygotes.

Submissions (3):

Labcorp Genetics (formerly Invitae), Labcorp
Classification: Uncertain significance. Last evaluated: 2025-09-02. Review status: criteria provided, single submitter. Criteria: Invitae Variant Classification Sherloc (09022015). Collection method: clinical testing. Allele origin: germline.
Comment: This sequence change replaces isoleucine, which is neutral and non-polar, with valine, which is neutral and non-polar, at codon 109 of the PRPF31 protein (p.Ile109Val). This variant is not present in population databases (gnomAD no frequency). This variant has not been reported in the literature in individuals affected with PRPF31-related conditions. ClinVar contains an entry for this variant (Variation ID: 1299937). An algorithm developed to predict the effect of missense changes on protein structure and function (PolyPhen-2) suggests that this variant is likely to be tolerated. In summary, the available evidence is currently insufficient to determine the role of this variant in disease. Therefore, it has been classified as a Variant of Uncertain Significance.

Clinical Genetics, Academic Medical Center
Classification: Uncertain significance. Review status: no assertion criteria provided. Collection method: clinical testing. Allele origin: germline. Affected: yes. Study: VKGL Data-share Consensus. Not counted in ClinVar's aggregate classification.

Joint Genome Diagnostic Labs from Nijmegen and Maastricht, Radboudumc and MUMC+
Classification: Uncertain significance. Review status: no assertion criteria provided. Collection method: clinical testing. Allele origin: germline. Affected: yes. Study: VKGL Data-share Consensus. Not counted in ClinVar's aggregate classification.

NM_015629.4(PRPF31):c.325A>G (p.Ile109Val)

Genes: PRPF31 (pre-mRNA processing factor 31; plus strand), PRPF31-AS1 (PRPF31 antisense RNA 1; minus strand). Cytogenetic location: 19q13.42.
Variant type: single nucleotide variant.
Coding change: c.325A>G on transcript NM_015629.4 (MANE Select); coding-DNA position 325, A replaced by G.
Protein change: p.Ile109Val; replaces isoleucine 109 with valine.
Molecular consequence: missense variant.
Genome position (GRCh38, 1-based): chr19:54,122,499, A>G. VCF-style: chr19-54122499-A-G. GRCh37 (hg19) VCF-style: chr19-54625878-A-G.
Other names: short protein forms I109V.
Identifiers: ClinVar variation 1299937 (VCV001299937.8), dbSNP rs1600337134, ClinGen allele CA407749686.
Genomic context (GRCh38, chr19:54,122,499, plus strand): 5'-CAACCAGCAGAGTCTACCTTCCATCTCACCCGACAACCTCCTGTCCCGTTTACCCTAGAC[A>G]TCATCCATAAGTTCATCCGGGATAAGTACTCAAAGAGATTCCCTGAACTGGAGTCCTTGG-3'
Protein context (NP_056444.3, residues 99-119): LTVEIENELN[Ile109Val]IHKFIRDKYS